The following is an entry in ClinVar:

ClinVar aggregate classification (germline): Uncertain significance (1 of 4 stars; one submission).

Conditions:
Ichthyosis linearis circumflexa. Identifiers: MedGen C0265962, MONDO:0043106, HP:0025810.

Allele frequency attached by ClinVar (database versions not stated): gnomAD exomes below 0.00001; ExAC 0.00001.
gnomAD v4.1: 6 of 1,614,148 alleles (0.00037%); highest among the groups gnomAD compares: Non-Finnish European, 0.00051%; no homozygotes.

Submission:

Labcorp Genetics (formerly Invitae), Labcorp
Classification: Uncertain significance for Ichthyosis linearis circumflexa. Last evaluated: 2020-08-26. Review status: criteria provided, single submitter. Criteria: Invitae Variant Classification Sherloc (09022015). Collection method: clinical testing. Allele origin: germline.
Comment: This sequence change replaces asparagine with aspartic acid at codon 737 of the SPINK5 protein (p.Asn737Asp). The asparagine residue is highly conserved and there is a small physicochemical difference between asparagine and aspartic acid. This variant is present in population databases (rs776793634, ExAC 0.001%). This variant has not been reported in the literature in individuals with SPINK5-related conditions. Algorithms developed to predict the effect of missense changes on protein structure and function are either unavailable or do not agree on the potential impact of this missense change (SIFT: "Deleterious"; PolyPhen-2: "Probably Damaging"; Align-GVGD: "Class C0"). In summary, the available evidence is currently insufficient to determine the role of this variant in disease. Therefore, it has been classified as a Variant of Uncertain Significance.

NM_006846.4(SPINK5):c.2209A>G (p.Asn737Asp)

Gene: SPINK5 (serine peptidase inhibitor Kazal type 5; plus strand). Cytogenetic location: 5q32.
Variant type: single nucleotide variant.
Coding change: c.2209A>G on transcript NM_006846.4 (MANE Select); coding-DNA position 2209, A replaced by G.
Protein change: p.Asn737Asp; replaces asparagine 737 with aspartic acid.
Molecular consequence: missense variant.
Genome position (GRCh38, 1-based): chr5:148,118,533, A>G. VCF-style: chr5-148118533-A-G. GRCh37 (hg19) VCF-style: chr5-147498096-A-G.
Other names: c.2209A>G, p.Asn737Asp (NM_001127698.2, NM_001127699.2); short protein forms N737D.
Identifiers: ClinVar variation 1041654 (VCV001041654.8), dbSNP rs776793634, ClinGen allele CA3495896.